The following is an entry in ClinVar:

ClinVar aggregate classification (germline): Uncertain significance (1 of 4 stars; one submission).

Conditions:
Charcot-Marie-Tooth disease axonal type 2O. Also called: CHARCOT-MARIE-TOOTH NEUROPATHY, AXONAL, TYPE 2O; CHARCOT-MARIE-TOOTH DISEASE, AXONAL, AUTOSOMAL DOMINANT, TYPE 2O; Charcot-Marie-Tooth Neuropathy Type 2O; Charcot-Marie-Tooth disease, axonal, type 20. Identifiers: Orphanet 284232, MedGen C3280220, MONDO:0013644, OMIM 614228.

Allele frequency attached by ClinVar (database versions not stated): gnomAD exomes below 0.00001.
gnomAD v4.1: 5 of 1,613,706 alleles (0.00031%); highest among the groups gnomAD compares: Non-Finnish European, 0.00042%; no homozygotes.

Submission:

Labcorp Genetics (formerly Invitae), Labcorp
Classification: Uncertain significance for Charcot-Marie-Tooth disease axonal type 2O. Last evaluated: 2023-05-10. Review status: criteria provided, single submitter. Criteria: Invitae Variant Classification Sherloc (09022015). Collection method: clinical testing. Allele origin: germline.
Comment: This sequence change replaces isoleucine, which is neutral and non-polar, with valine, which is neutral and non-polar, at codon 2541 of the DYNC1H1 protein (p.Ile2541Val). This variant is not present in population databases (gnomAD no frequency). This variant has not been reported in the literature in individuals affected with DYNC1H1-related conditions. Advanced modeling of protein sequence and biophysical properties (such as structural, functional, and spatial information, amino acid conservation, physicochemical variation, residue mobility, and thermodynamic stability) performed at Invitae indicates that this missense variant is not expected to disrupt DYNC1H1 protein function. In summary, the available evidence is currently insufficient to determine the role of this variant in disease. Therefore, it has been classified as a Variant of Uncertain Significance.

NM_001376.5(DYNC1H1):c.7621A>G (p.Ile2541Val)

Gene: DYNC1H1 (dynein cytoplasmic 1 heavy chain 1; plus strand). Cytogenetic location: 14q32.31.
Variant type: single nucleotide variant.
Coding change: c.7621A>G on transcript NM_001376.5 (MANE Select); coding-DNA position 7621, A replaced by G.
Protein change: p.Ile2541Val; replaces isoleucine 2541 with valine.
Molecular consequence: missense variant.
Genome position (GRCh38, 1-based): chr14:102,016,772, A>G. VCF-style: chr14-102016772-A-G. GRCh37 (hg19) VCF-style: chr14-102483109-A-G.
Other names: short protein forms I2541V.
Identifiers: ClinVar variation 2903381 (VCV002903381.3), dbSNP rs2503771544, ClinGen allele CA391002546.